The following is an entry in ClinVar:

NM_003126.4(SPTA1):c.812+20T>C

Gene: SPTA1 (spectrin alpha, erythrocytic 1; minus strand). Cytogenetic location: 1q23.1.
Variant type: single nucleotide variant.
Coding change: c.812+20T>C on transcript NM_003126.4 (MANE Select); 20 bases into the intron after coding-DNA position 812, T replaced by C.
Molecular consequence: intron variant.
Genome position (GRCh38, 1-based): chr1:158,678,381, A>G on the plus strand (T>C on the coding strand, the complement: SPTA1 is on the minus strand). VCF-style: chr1-158678381-A-G. GRCh37 (hg19) VCF-style: chr1-158648171-A-G.
Other names: p.?.
Identifiers: ClinVar variation 1163756 (VCV001163756.7), dbSNP rs140701005, ClinGen allele CA1184022.

ClinVar aggregate classification (germline): Likely benign. Review status: criteria provided, multiple submitters, no conflicts (2 of 4 stars). 2 submissions from 2 submitters: Likely benign (2). Last evaluated 2025-09-21.

Allele frequency attached by ClinVar (database versions not stated): TOPMed 0.00006; gnomAD exomes 0.00007 and 0.00016; ESP Exome Variant Server 0.00008; ExAC 0.00022; 1000 Genomes Project 30x 0.00031; 1000 Genomes Project 0.00040.
gnomAD v4.1: 122 of 1,613,432 alleles (0.0076%); highest among the groups gnomAD compares: Non-Finnish European, 0.009%; no homozygotes.

Submissions (2):

Labcorp Genetics (formerly Invitae), Labcorp
Classification: Likely benign. Last evaluated: 2025-09-21. Review status: criteria provided, single submitter. Criteria: Invitae Variant Classification Sherloc (09022015). Collection method: clinical testing. Allele origin: germline.

Mayo Clinic Laboratories, Mayo Clinic
Classification: Likely benign. Last evaluated: 2025-06-02. Review status: criteria provided, single submitter. Criteria: ACMG Guidelines, 2015. Collection method: clinical testing. Allele origin: germline. Observed: 3 variant alleles.
Comment: BP4, BP7